The following is an entry in ClinVar:

ClinVar aggregate classification (germline): Uncertain significance (1 of 4 stars; one submission).

Conditions:
LAMA2-related muscular dystrophy (LAMA2-RD). Also called: Laminin alpha 2-related dystrophy. Identifiers: MedGen C5679788, MONDO:0100228.

Submission:

Labcorp Genetics (formerly Invitae), Labcorp
Classification: Uncertain significance for LAMA2-related muscular dystrophy. Last evaluated: 2022-07-01. Review status: criteria provided, single submitter. Criteria: Invitae Variant Classification Sherloc (09022015). Collection method: clinical testing. Allele origin: germline.
Comment: In summary, the available evidence is currently insufficient to determine the role of this variant in disease. Therefore, it has been classified as a Variant of Uncertain Significance. Algorithms developed to predict the effect of missense changes on protein structure and function are either unavailable or do not agree on the potential impact of this missense change (SIFT: "Deleterious"; PolyPhen-2: "Possibly Damaging"; Align-GVGD: "Class C0"). This variant has not been reported in the literature in individuals affected with LAMA2-related conditions. This variant is not present in population databases (gnomAD no frequency). This sequence change replaces isoleucine, which is neutral and non-polar, with leucine, which is neutral and non-polar, at codon 2850 of the LAMA2 protein (p.Ile2850Leu).

NM_000426.4(LAMA2):c.8548A>C (p.Ile2850Leu)

Gene: LAMA2 (laminin subunit alpha 2; plus strand). Cytogenetic location: 6q22.33.
Variant type: single nucleotide variant.
Coding change: c.8548A>C on transcript NM_000426.4 (MANE Select); coding-DNA position 8548, A replaced by C.
Protein change: p.Ile2850Leu; replaces isoleucine 2850 with leucine.
Molecular consequence: missense variant.
Genome position (GRCh38, 1-based): chr6:129,505,200, A>C. VCF-style: chr6-129505200-A-C. GRCh37 (hg19) VCF-style: chr6-129826345-A-C.
Other names: c.8536A>C, p.Ile2846Leu (NM_001079823.2); short protein forms I2846L, I2850L.
Identifiers: ClinVar variation 2012842 (VCV002012842.4), dbSNP rs2533549488, ClinGen allele CA365634706.